The following is an entry in ClinVar:

ClinVar aggregate classification (germline): Conflicting classifications of pathogenicity. Review status: criteria provided, conflicting classifications (1 of 4 stars). 17 submissions from 17 submitters: Uncertain significance (7); Benign (2); Likely benign (6). 2 of the submissions do not count toward it. Last evaluated 2026-05-29.

Conditions:
MEN1-related disorder. Also called: MEN1-related condition.
Hyperparathyroidism. Identifiers: MedGen C0020502, MONDO:0001741, HP:0000843.
Ovarian cancer. Also called: OVARIAN CANCER, SOMATIC. Identifiers: Orphanet 213500, MedGen C1140680, MONDO:0008170, OMIM 167000.
Hereditary cancer-predisposing syndrome. Also called: Tumor predisposition; Neoplastic Syndromes, Hereditary; Hereditary neoplastic syndrome; Hereditary Cancer Syndrome. Identifiers: Orphanet 140162, MedGen C0027672, MeSH D009386, MONDO:0015356.
Multiple endocrine neoplasia, type 1 (MEN1). Also called: MEN I; WERMER SYNDROME; Endocrine adenomatosis multiple; MEN 1; MEA I. Identifiers: Orphanet 652, MedGen C0025267, MeSH D018761, MONDO:0007540, OMIM 131100.
Neoplasm of the endocrine system. Also called: Endocrine gland neoplasm; Endocrine neoplasia. Identifiers: Orphanet 182130, MedGen C0014132, MONDO:0002082, HP:0100568.

Allele frequency attached by ClinVar (database versions not stated): gnomAD exomes 0.00005 and 0.00006; TOPMed 0.00008; gnomAD 0.00009; ESP Exome Variant Server 0.00031.
gnomAD v4.1: 86 of 1,613,960 alleles (0.0053%); highest among the groups gnomAD compares: African/African-American, 0.012%; no homozygotes.

Submissions (17):

PreventionGenetics, part of Exact Sciences
Classification: Likely benign for MEN1-related condition. Last evaluated: 2026-05-29. Review status: criteria provided, single submitter. Criteria: ACMG Guidelines, 2015. Collection method: clinical testing. Allele origin: germline.
Comment: This variant is classified as likely benign based on ACMG/AMP sequence variant interpretation guidelines (Richards et al. 2015 PMID: 25741868, with internal and published modifications).

Labcorp Genetics (formerly Invitae), Labcorp
Classification: Likely benign for Multiple endocrine neoplasia, type 1. Last evaluated: 2026-01-17. Review status: criteria provided, single submitter. Criteria: Invitae Variant Classification Sherloc (09022015). Collection method: clinical testing. Allele origin: germline.

Cambridge Genomics Laboratory, East Genomic Laboratory Hub, NHS Genomic Medicine Service
Classification: Uncertain significance for Endocrine neoplasia. Last evaluated: 2025-10-29. Review status: criteria provided, single submitter. Criteria: ACGS Best Practice Guidelines for Variant Classification in Rare Disease 2020. Collection method: clinical testing. Allele origin: germline. Affected: yes.

Quest Diagnostics Nichols Institute San Juan Capistrano
Classification: Likely benign. Last evaluated: 2025-09-03. Review status: criteria provided, single submitter. Criteria: Quest Diagnostics criteria. Collection method: clinical testing. Allele origin: unknown.

Center for Genomic Medicine, Rigshospitalet, Copenhagen University Hospital
Classification: Uncertain significance. Last evaluated: 2025-03-04. Review status: criteria provided, single submitter. Criteria: ACMG Guidelines, 2015. Collection method: clinical testing. Allele origin: germline.

All of Us Research Program, National Institutes of Health
Classification: Uncertain significance for Multiple endocrine neoplasia, type 1. Last evaluated: 2024-09-23. Review status: criteria provided, single submitter. Criteria: ACMG Guidelines, 2015. Collection method: clinical testing. Allele origin: germline. Inheritance: Autosomal dominant inheritance. Observed: 28 variant alleles, 28 heterozygotes.
Comment: This missense variant replaces arginine with tryptophan at codon 171 of the MEN1 protein. Computational prediction is inconclusive regarding the impact of this variant on protein structure and function (internally defined REVEL score threshold 0.5 < inconclusive < 0.7, PMID: 27666373). A functional study has reported that this variant does not impact MEN1 protein stability (PMID: 21819486). This variant has been reported in an individual affected with primary hyperparathyroidism (PMID: 16563611). This variant has been identified in 20/282320 chromosomes in the general population by the Genome Aggregation Database (gnomAD). Although there is a suspicion that this variant may not be associated with disease, additional studies are necessary to determine the role of this variant in disease conclusively. Therefore, this variant is classified as a Variant of Uncertain Significance.

This study involves interpretation of variants in research participants for the purpose of population health screening. Participant phenotype was not available at the time of variant classification. Additional details can be found in publication PMID: 35346344, PMCID: PMC8962531

Myriad Genetics, Inc.
Classification: Likely benign for Multiple endocrine neoplasia, type 1. Last evaluated: 2024-08-23. Review status: criteria provided, single submitter. Criteria: Myriad Autosomal Dominant, Autosomal Recessive and X-Linked Classification Criteria (2023). Collection method: clinical testing. Allele origin: unknown.
Comment: This variant is considered likely benign. This variant has been observed at a population frequency that is significantly greater than expected given the associated disease prevalence and penetrance.

GeneDx
Classification: Uncertain significance. Last evaluated: 2024-06-11. Review status: criteria provided, single submitter. Criteria: GeneDx Variant Classification Process June 2021. Collection method: clinical testing. Allele origin: germline. Affected: yes.
Comment: Published functional studies demonstrated that this variant did not significantly impact MEN1 protein expression (PMID: 21819486); In silico analysis supports that this missense variant has a deleterious effect on protein structure/function; Observed in an individual with primary hyperparathyroidism (PMID: 16563611); Also known as c.526C>T, c.621C>T, or p.(R176W); This variant is associated with the following publications: (PMID: 25637381, 19068082, 17879353, 16563611, 35268848, 9989505, 21819486)

Color Diagnostics, LLC DBA Color Health
Classification: Uncertain significance for Multiple endocrine neoplasia, type 1. Last evaluated: 2024-04-18. Review status: criteria provided, single submitter. Criteria: ACMG Guidelines, 2015. Collection method: clinical testing. Allele origin: germline.
Comment: This missense variant replaces arginine with tryptophan at codon 171 of the MEN1 protein. Computational prediction is inconclusive regarding the impact of this variant on protein structure and function. A functional study has reported that this variant does not impact MEN1 protein stability (PMID: 21819486). This variant has been reported in an individual affected with primary hyperparathyroidism (PMID: 16563611). This variant has been identified in 20/282320 chromosomes in the general population by the Genome Aggregation Database (gnomAD). Although there is a suspicion that this variant may not be associated with disease, additional studies are necessary to determine the role of this variant in disease conclusively. Therefore, this variant is classified as a Variant of Uncertain Significance.

Blueprint Genetics
Classification: Likely benign. Last evaluated: 2023-01-02. Review status: criteria provided, single submitter. Criteria: ACMG Guidelines, 2015. Collection method: clinical testing. Allele origin: germline.

St. Jude Molecular Pathology, St. Jude Children's Research Hospital
Classification: Uncertain significance for Multiple endocrine neoplasia, type 1. Last evaluated: 2022-08-15. Review status: criteria provided, single submitter. Criteria: St. Jude Assertion Criteria 2020. Collection method: clinical testing. Allele origin: germline.
Comment: The MEN1 c.511C>T (p.Arg171Trp) missense change has a maximum subpopulation frequency of 0.028% in gnomAD v2.1.1. The in silico tool REVEL predicts a deleterious effect on protein function, however functional studies indicate that this variant does not significantly reduce menin expression compared to the wild-type (PMID: 21819486). In summary, the evidence currently available is insufficient to determine the clinical significance of this variant. It has therefore been classified as of uncertain significance.

Laboratory of Molecular Epidemiology of Birth Defects, West China Second University Hospital, Sichuan University
Classification: Benign for Ovarian cancer. Last evaluated: 2022-01-01. Review status: criteria provided, single submitter. Criteria: ACMG Guidelines, 2015. Collection method: clinical testing. Allele origin: germline. Affected: yes.

Mendelics
Classification: Benign for Multiple endocrine neoplasia, type 1. Last evaluated: 2019-05-28. Review status: criteria provided, single submitter. Criteria: Mendelics Assertion Criteria 2017. Collection method: clinical testing. Allele origin: unknown.

Ambry Genetics
Classification: Likely benign for Hereditary cancer-predisposing syndrome. Last evaluated: 2018-05-25. Review status: criteria provided, single submitter. Criteria: Ambry Variant Classification Scheme 2023. Collection method: clinical testing. Allele origin: germline.

Laboratory for Molecular Medicine, Mass General Brigham Personalized Medicine
Classification: Uncertain significance. Last evaluated: 2016-06-23. Review status: criteria provided, single submitter. Criteria: LMM Criteria. Collection method: clinical testing. Allele origin: germline.
Comment: Variant identified in a genome or exome case(s) and assessed due to predicted null impact of the variant or pathogenic assertions in the literature or databases. Disclaimer: This variant has not undergone full assessment. The following are preliminary notes: Reported in 1 proband, multiple reports classify as non-pathogenic; ClinVar: 1 LB

Counsyl
Classification: Uncertain significance for Multiple endocrine neoplasia, type 1. Last evaluated: 2016-04-20. Review status: no assertion criteria provided. Collection method: clinical testing. Allele origin: unknown. Not counted in ClinVar's aggregate classification.

CSER _CC_NCGL, University of Washington
Classification: Likely benign for Hyperparathyroidism. Last evaluated: 2014-06-01. Review status: no assertion criteria provided. Collection method: research. Allele origin: germline. Inheritance: Autosomal dominant inheritance. Study: ESP 6500 variant annotation. Not counted in ClinVar's aggregate classification.
Comment: Variants classified for the Actionable exomic incidental findings in 6503 participants: challenges of variant classification manuscript

Literature cited by the submitters: PubMed 16563611 (cited by 3 submitters); PubMed 21819486 (cited by 3 submitters); PubMed 25637381 (cited by Counsyl).

NM_001370259.2(MEN1):c.511C>T (p.Arg171Trp)

Gene: MEN1 (menin 1; minus strand). Cytogenetic location: 11q13.1.
Variant type: single nucleotide variant.
Coding change: c.511C>T on transcript NM_001370259.2 (MANE Select); coding-DNA position 511, C replaced by T.
Protein change: p.Arg171Trp; replaces arginine 171 with tryptophan.
Molecular consequence: missense variant.
Genome position (GRCh38, 1-based): chr11:64,808,034, G>A on the plus strand (C>T on the coding strand, the complement: MEN1 is on the minus strand). VCF-style: chr11-64808034-G-A. GRCh37 (hg19) VCF-style: chr11-64575506-G-A.
Other names: c.511C>T, p.Arg171Trp (NM_001370251.2, NM_001370260.2, NM_001370261.2 and 3 more transcripts); c.526C>T, p.Arg176Trp (NM_130800.3, NM_130801.3, NM_130802.3 and 3 more transcripts); c.526C>T (NM_130803.2); short protein forms R171W, R176W.
Identifiers: ClinVar variation 161294 (VCV000161294.37), dbSNP rs143329068, ClinGen allele CA009448.